The following is an entry in ClinVar:

NM_003126.4(SPTA1):c.4981-12G>A

Gene: SPTA1 (spectrin alpha, erythrocytic 1; minus strand). Cytogenetic location: 1q23.1.
Variant type: single nucleotide variant.
Coding change: c.4981-12G>A on transcript NM_003126.4 (MANE Select); 12 bases into the intron before coding-DNA position 4981, G replaced by A.
Molecular consequence: intron variant.
Genome position (GRCh38, 1-based): chr1:158,638,253, C>T on the plus strand (G>A on the coding strand, the complement: SPTA1 is on the minus strand). VCF-style: chr1-158638253-C-T. GRCh37 (hg19) VCF-style: chr1-158608043-C-T.
Identifiers: ClinVar variation 2960313 (VCV002960313.3), dbSNP rs546527783, ClinGen allele CA1182460.

ClinVar aggregate classification (germline): Uncertain significance (1 of 4 stars; one submission).

Allele frequency attached by ClinVar (database versions not stated): ExAC 0.00005; gnomAD 0.00005; TOPMed 0.00003; gnomAD exomes 0.00002; 1000 Genomes Project 0.00020; 1000 Genomes Project 30x 0.00031.
gnomAD v4.1: 39 of 1,608,868 alleles (0.0024%); highest among the groups gnomAD compares: South Asian, 0.019%; no homozygotes.

Submission:

Labcorp Genetics (formerly Invitae), Labcorp
Classification: Uncertain significance. Last evaluated: 2026-01-06. Review status: criteria provided, single submitter. Criteria: Invitae Variant Classification Sherloc (09022015). Collection method: clinical testing. Allele origin: germline.
Comment: This sequence change falls in intron 35 of the SPTA1 gene. It does not directly change the encoded amino acid sequence of the SPTA1 protein. This variant is present in population databases (rs546527783, gnomAD 0.03%). This variant has not been reported in the literature in individuals affected with SPTA1-related conditions. ClinVar contains an entry for this variant (Variation ID: 2960313). Algorithms developed to predict the effect of sequence changes on RNA splicing suggest that this variant may disrupt the consensus splice site. In summary, the available evidence is currently insufficient to determine the role of this variant in disease. Therefore, it has been classified as a Variant of Uncertain Significance.